The following is an entry in ClinVar:

ClinVar aggregate classification (germline): Uncertain significance (1 of 4 stars; one submission).

Conditions:
Ataxia-telangiectasia syndrome (AT). Also called: Cerebello-oculocutaneous telangiectasia; Immunodeficiency with ataxia telangiectasia; Ataxia-telangiectasia, complementation group E; Ataxia-telangiectasia, complementation group D; LOUIS-BAR SYNDROME; AT, COMPLEMENTATION GROUP C. Identifiers: Orphanet 100, MedGen C0004135, MONDO:0008840, OMIM 208900.

Submission:

Labcorp Genetics (formerly Invitae), Labcorp
Classification: Uncertain significance for Ataxia-telangiectasia syndrome. Last evaluated: 2023-03-16. Review status: criteria provided, single submitter. Criteria: Invitae Variant Classification Sherloc (09022015). Collection method: clinical testing. Allele origin: germline.
Comment: In summary, the available evidence is currently insufficient to determine the role of this variant in disease. Therefore, it has been classified as a Variant of Uncertain Significance. An algorithm developed to predict the effect of missense changes on protein structure and function (PolyPhen-2) suggests that this variant is likely to be disruptive. This variant has not been reported in the literature in individuals affected with ATM-related conditions. This variant is not present in population databases (gnomAD no frequency). This sequence change replaces proline, which is neutral and non-polar, with threonine, which is neutral and polar, at codon 596 of the ATM protein (p.Pro596Thr).

NM_000051.4(ATM):c.1786C>A (p.Pro596Thr)

Gene: ATM (ATM serine/threonine kinase; plus strand). Cytogenetic location: 11q22.3.
Variant type: single nucleotide variant.
Coding change: c.1786C>A on transcript NM_000051.4 (MANE Select); coding-DNA position 1786, C replaced by A.
Protein change: p.Pro596Thr; replaces proline 596 with threonine.
Molecular consequence: missense variant.
Genome position (GRCh38, 1-based): chr11:108,252,015, C>A. VCF-style: chr11-108252015-C-A. GRCh37 (hg19) VCF-style: chr11-108122742-C-A.
Other names: c.1786C>A, p.Pro596Thr (NM_001351834.2); short protein forms P596T.
Identifiers: ClinVar variation 2846121 (VCV002846121.3), dbSNP rs2135344182, ClinGen allele CA382535535.
Genomic context (GRCh38, chr11:108,252,015, plus strand): 5'-ATAATGAAATGGCTCTTATTCTATCAGTTAGAGGGTGACTTAGAAAATAGCACAGAAGTG[C>A]CTCCAATTCTTCACAGGTAATTTAAGTTCATTAGCATGCTGCTGTTTTTTTTGTTTGTTT-3'
Protein context (NP_000042.3, residues 586-606): EGDLENSTEV[Pro596Thr]PILHSNFPHL